The following is an entry in ClinVar:

ClinVar aggregate classification (germline): Pathogenic (1 of 4 stars; one submission).

Conditions:
Osteogenesis imperfecta type I (OI1). Also called: OI, TYPE I; OSTEOGENESIS IMPERFECTA TARDA; OSTEOGENESIS IMPERFECTA WITH BLUE SCLERAE; Osteogenesis imperfecta type 1; Lobstein's Disease; Lobstein disease. Identifiers: Orphanet 216796, Orphanet 666, MedGen C0023931, MONDO:0008146, OMIM 166200. Disease mechanism: loss of function.

Submission:

Labcorp Genetics (formerly Invitae), Labcorp
Classification: Pathogenic for Osteogenesis imperfecta type I. Last evaluated: 2017-08-14. Review status: criteria provided, single submitter. Criteria: Invitae Variant Classification Sherloc (09022015). Collection method: clinical testing. Allele origin: germline.
Comment: For these reasons, this variant has been classified as Pathogenic. This variant has not been reported in the literature in individuals with COL1A1-related disease. Two frameshift variants downstream of this variant (c.4329_4332dup and c.4357_4361del) have been determined to be pathogenic (PMID: 2295701, Invitae). All three variants results in a similar shift in the reading frame. This suggests the disruption of this region and extension of the COL1A1 protein are causative of disease. This variant is not present in population databases (ExAC no frequency). This sequence change inserts 7 nucleotides in exon 51 of the COL1A1 mRNA (c.4321_4327dupGATGTGG), causing a frameshift in the last exon at codon 1443. While this is not expected to result in nonsense mediated decay of the mRNA, it is predicted to alter the last 22 amino acids of the protein and extend it by an additional 88 amino acids (p.Ala1443Glyfs*110).

Literature cited by the submitters: PubMed 2295701.

NM_000088.4(COL1A1):c.4321_4327dup (p.Ala1443fs)

Gene: COL1A1 (collagen type I alpha 1 chain; minus strand). Cytogenetic location: 17q21.33.
Variant type: Duplication.
Coding change: c.4321_4327dup on transcript NM_000088.4 (MANE Select); coding-DNA positions 4321 to 4327, 7 bases duplicated (GATGTGG; older notation c.4321_4327dupGATGTGG).
Protein change: p.Ala1443fs; shifts the reading frame from alanine 1443.
Molecular consequence: frameshift variant.
Genome position (GRCh38, 1-based): chr17:50,185,570-50,185,576, CCACATC duplicated on the plus strand (GATGTGG on the coding strand, the reverse complement: COL1A1 is on the minus strand). VCF-style (leftmost placement, unchanged base first): chr17-50185569-G-GCCACATC. GRCh37 (hg19) VCF-style: chr17-48262930-G-GCCACATC.
Other names: c.4321_4327dupGATGTGG (NM_000088.3); short protein forms A1443fs.
Identifiers: ClinVar variation 456790 (VCV000456790.9), dbSNP rs1555571529, ClinGen allele CA658656733.